The following is an entry in ClinVar:

ClinVar aggregate classification (germline): Uncertain significance (1 of 4 stars; one submission).

Conditions:
Charcot-Marie-Tooth disease type 2. Also called: Charcot-Marie-Tooth type 2. Identifiers: Orphanet 64746, MedGen C0270914, MONDO:0018993.

Allele frequency attached by ClinVar (database versions not stated): TOPMed below 0.00001.
gnomAD v4.1: 2 of 1,614,138 alleles (0.00012%); no homozygotes.

Submission:

Labcorp Genetics (formerly Invitae), Labcorp
Classification: Uncertain significance for Charcot-Marie-Tooth disease type 2. Last evaluated: 2024-04-22. Review status: criteria provided, single submitter. Criteria: Invitae Variant Classification Sherloc (09022015). Collection method: clinical testing. Allele origin: germline.
Comment: This sequence change replaces glutamic acid, which is acidic and polar, with lysine, which is basic and polar, at codon 272 of the MFN2 protein (p.Glu272Lys). This variant is not present in population databases (gnomAD no frequency). This variant has not been reported in the literature in individuals affected with MFN2-related conditions. ClinVar contains an entry for this variant (Variation ID: 1008407). An algorithm developed to predict the effect of missense changes on protein structure and function (PolyPhen-2) suggests that this variant is likely to be disruptive. In summary, the available evidence is currently insufficient to determine the role of this variant in disease. Therefore, it has been classified as a Variant of Uncertain Significance.

NM_014874.4(MFN2):c.814G>A (p.Glu272Lys)

Gene: MFN2 (mitofusin 2; plus strand). Cytogenetic location: 1p36.22.
Variant type: single nucleotide variant.
Coding change: c.814G>A on transcript NM_014874.4 (MANE Select); coding-DNA position 814, G replaced by A.
Protein change: p.Glu272Lys; replaces glutamic acid 272 with lysine.
Molecular consequence: missense variant.
Genome position (GRCh38, 1-based): chr1:11,999,093, G>A. VCF-style: chr1-11999093-G-A. GRCh37 (hg19) VCF-style: chr1-12059150-G-A.
Other names: c.814G>A, p.Glu272Lys (NM_001127660.2); short protein forms E272K.
Identifiers: ClinVar variation 1008407 (VCV001008407.8), dbSNP rs1639061149, ClinGen allele CA338439555.